The following is an entry in ClinVar:

NM_004204.5(PIGQ):c.1532-15T>C

Gene: PIGQ (phosphatidylinositol glycan anchor biosynthesis class Q; plus strand). Cytogenetic location: 16p13.3.
Variant type: single nucleotide variant.
Coding change: c.1532-15T>C on transcript NM_004204.5 (MANE Select); 15 bases into the intron before coding-DNA position 1532, T replaced by C.
Molecular consequence: intron variant.
Genome position (GRCh38, 1-based): chr16:582,233, T>C. VCF-style: chr16-582233-T-C. GRCh37 (hg19) VCF-style: chr16-632233-T-C.
Other names: c.1532-650T>C (NM_148920.4).
Identifiers: ClinVar variation 1164857 (VCV001164857.17), dbSNP rs62030874, ClinGen allele CA7780429.

ClinVar aggregate classification (germline): Benign. Review status: criteria provided, multiple submitters, no conflicts (2 of 4 stars). 6 submissions from 6 submitters: Benign (6). Last evaluated 2026-02-04.

Conditions:
Developmental and epileptic encephalopathy, 77. Also called: GLYCOSYLPHOSPHATIDYLINOSITOL BIOSYNTHESIS DEFECT 19; MULTIPLE CONGENITAL ANOMALIES-HYPOTONIA-SEIZURES SYNDROME 4; EPILEPTIC ENCEPHALOPATHY, EARLY INFANTILE, 77. Identifiers: MedGen C5231405, MONDO:0032808, OMIM 618548.
Epilepsy. Also called: Seizure disorder. Identifiers: MedGen C0014544, MeSH D004827, MONDO:0005027.

Allele frequency attached by ClinVar (database versions not stated): gnomAD exomes 0.44000 and 0.46870; gnomAD 0.44935 and 0.45811; TOPMed 0.44947; ExAC 0.51313; 1000 Genomes Project 30x 0.52436; 1000 Genomes Project 0.52636.
gnomAD v4.1: 676,694 of 1,532,642 alleles (44%); highest among the groups gnomAD compares: East Asian, 66%; 159,631 homozygotes.

Submissions (6):

Labcorp Genetics (formerly Invitae), Labcorp
Classification: Benign for Epilepsy. Last evaluated: 2026-02-04. Review status: criteria provided, single submitter. Criteria: Invitae Variant Classification Sherloc (09022015). Collection method: clinical testing. Allele origin: germline.

Blueprint Genetics
Classification: Benign. Last evaluated: 2024-11-27. Review status: criteria provided, single submitter. Criteria: ACMG Guidelines, 2015. Collection method: clinical testing. Allele origin: germline.

Unidad de Genómica Garrahan, Hospital de Pediatría Garrahan
Classification: Benign. Last evaluated: 2024-07-15. Review status: criteria provided, single submitter. Criteria: ACMG Guidelines, 2015. Collection method: clinical testing. Allele origin: germline. Affected: no. Observed: 50 variant alleles.
Comment: This variant is classified as Benign based on local population frequency. This variant was detected in 54% of patients studied in a panel designed for Epileptic and Developmental Encephalopathy and Progressive Myoclonus Epilepsy. Number of patients: 50. Only high quality variants are reported.

Genome-Nilou Lab
Classification: Benign for Developmental and epileptic encephalopathy, 77. Last evaluated: 2021-07-14. Review status: criteria provided, single submitter. Criteria: ACMG Guidelines, 2015. Collection method: clinical testing. Allele origin: germline. Affected: no.

GeneDx
Classification: Benign. Last evaluated: 2021-05-14. Review status: criteria provided, single submitter. Criteria: GeneDx Variant Classification Process June 2021. Collection method: clinical testing. Allele origin: germline. Affected: yes.

Breakthrough Genomics
Classification: Benign. Review status: criteria provided, single submitter. Criteria: ACMG Guidelines, 2015. Collection method: not provided. Allele origin: germline. Inheritance: Autosomal recessive inheritance. Affected: yes.